The following is an entry in ClinVar:

ClinVar aggregate classification (germline): Uncertain significance (1 of 4 stars; one submission).

Conditions:
Baller-Gerold syndrome (BGS). Also called: CRANIOSYNOSTOSIS WITH RADIAL DEFECTS. Identifiers: Orphanet 1225, MedGen C0265308, MONDO:0009039, OMIM 218600.

gnomAD v4.1: 3 of 1,608,798 alleles (0.00019%); highest among the groups gnomAD compares: African/African-American, 0.0013%; no homozygotes.

Submission:

Labcorp Genetics (formerly Invitae), Labcorp
Classification: Uncertain significance for Baller-Gerold syndrome. Last evaluated: 2022-06-21. Review status: criteria provided, single submitter. Criteria: Invitae Variant Classification Sherloc (09022015). Collection method: clinical testing. Allele origin: germline.
Comment: In summary, the available evidence is currently insufficient to determine the role of this variant in disease. Therefore, it has been classified as a Variant of Uncertain Significance. Experimental studies and prediction algorithms are not available or were not evaluated, and the functional significance of this variant is currently unknown. This variant has not been reported in the literature in individuals affected with RECQL4-related conditions. This variant is not present in population databases (gnomAD no frequency). This sequence change replaces arginine, which is basic and polar, with leucine, which is neutral and non-polar, at codon 1096 of the RECQL4 protein (p.Arg1096Leu).

NM_004260.4(RECQL4):c.3287G>T (p.Arg1096Leu)

Gene: RECQL4 (RecQ like helicase 4; minus strand). Cytogenetic location: 8q24.3.
Variant type: single nucleotide variant.
Coding change: c.3287G>T on transcript NM_004260.4 (MANE Select); coding-DNA position 3287, G replaced by T.
Protein change: p.Arg1096Leu; replaces arginine 1096 with leucine.
Molecular consequence: missense variant.
Genome position (GRCh38, 1-based): chr8:144,512,017, C>A on the plus strand (G>T on the coding strand, the complement: RECQL4 is on the minus strand). VCF-style: chr8-144512017-C-A. GRCh37 (hg19) VCF-style: chr8-145737400-C-A.
Other names: c.2993G>T, p.Arg998Leu (NM_001413017.1); c.3089G>T, p.Arg1030Leu (NM_001413018.1); c.3362G>T, p.Arg1121Leu (NM_001413019.1); c.3191G>T, p.Arg1064Leu (NM_001413020.1); c.2216G>T, p.Arg739Leu (NM_001413021.1, NM_001413022.1, NM_001413024.1 and 4 more transcripts); c.2291G>T, p.Arg764Leu (NM_001413023.1); c.3158G>T, p.Arg1053Leu (NM_001413025.1); c.2150G>T, p.Arg717Leu (NM_001413027.1, NM_001413030.1, NM_001413032.1); and 9 more; short protein forms R1086L, R695L, R673L, R739L, R1030L, R1052L, R1096L, R1121L.
Identifiers: ClinVar variation 2150824 (VCV002150824.4), dbSNP rs765087683, ClinGen allele CA372668954.